The following is an entry in ClinVar:

NM_004320.6(ATP2A1):c.1843C>G (p.Arg615Gly)

Gene: ATP2A1 (ATPase sarcoplasmic/endoplasmic reticulum Ca2+ transporting 1; plus strand). Cytogenetic location: 16p11.2.
Variant type: single nucleotide variant.
Coding change: c.1843C>G on transcript NM_004320.6 (MANE Select); coding-DNA position 1843, C replaced by G.
Protein change: p.Arg615Gly; replaces arginine 615 with glycine.
Molecular consequence: missense variant.
Genome position (GRCh38, 1-based): chr16:28,900,659, C>G. VCF-style: chr16-28900659-C-G. GRCh37 (hg19) VCF-style: chr16-28911980-C-G.
Other names: c.1843C>G (NM_173201.3); c.1468C>G, p.Arg490Gly (NM_001286075.2); c.1843C>G, p.Arg615Gly (NM_173201.5); short protein forms R490G, R615G.
Identifiers: ClinVar variation 1520652 (VCV001520652.6), dbSNP rs551817195, ClinGen allele CA395411071.

ClinVar aggregate classification (germline): Uncertain significance. Review status: criteria provided, multiple submitters, no conflicts (2 of 4 stars). 2 submissions from 2 submitters: Uncertain significance (2). Last evaluated 2025-08-09.

Conditions:
Inborn genetic diseases. Identifiers: MedGen C0950123, MeSH D030342.
Brody myopathy. Also called: BRODY DISEASE. Identifiers: Orphanet 53347, MedGen C1832918, MONDO:0010977, OMIM 601003.

gnomAD v4.1: 1 of 1,609,068 alleles (0.000062%); highest among the groups gnomAD compares: Non-Finnish European, 0.000085%; no homozygotes.

Submissions (2):

Ambry Genetics
Classification: Uncertain significance for Inborn genetic diseases. Last evaluated: 2025-08-09. Review status: criteria provided, single submitter. Criteria: Ambry Variant Classification Scheme 2023. Collection method: clinical testing. Allele origin: germline.

Labcorp Genetics (formerly Invitae), Labcorp
Classification: Uncertain significance for Brody myopathy. Last evaluated: 2021-08-13. Review status: criteria provided, single submitter. Criteria: Invitae Variant Classification Sherloc (09022015). Collection method: clinical testing. Allele origin: germline.
Comment: In summary, the available evidence is currently insufficient to determine the role of this variant in disease. Therefore, it has been classified as a Variant of Uncertain Significance. Algorithms developed to predict the effect of missense changes on protein structure and function are either unavailable or do not agree on the potential impact of this missense change (SIFT: "Deleterious"; PolyPhen-2: "Possibly Damaging"; Align-GVGD: "Class C0"). This variant has not been reported in the literature in individuals affected with ATP2A1-related conditions. This variant is not present in population databases (ExAC no frequency). This sequence change replaces arginine with glycine at codon 615 of the ATP2A1 protein (p.Arg615Gly). The arginine residue is highly conserved and there is a moderate physicochemical difference between arginine and glycine.